The following is an entry in ClinVar:

ClinVar aggregate classification (germline): Uncertain significance. Review status: criteria provided, multiple submitters, no conflicts (2 of 4 stars). 3 submissions from 3 submitters: Uncertain significance (3). Last evaluated 2025-02-02.

Conditions:
Hereditary cancer-predisposing syndrome. Also called: Neoplastic Syndromes, Hereditary; Tumor predisposition; Hereditary neoplastic syndrome; Hereditary Cancer Syndrome. Identifiers: Orphanet 140162, MedGen C0027672, MeSH D009386, MONDO:0015356.
Cardiovascular phenotype. Identifiers: MedGen CN230736.
LZTR1-related schwannomatosis. Also called: Schwannomatosis 2; Schwannomatosis-2, susceptibility to. Identifiers: Orphanet 93921, MedGen C3810283, MONDO:0014299, OMIM 615670.

Allele frequency attached by ClinVar (database versions not stated): TOPMed 0.00006.

Submissions (3):

Labcorp Genetics (formerly Invitae), Labcorp
Classification: Uncertain significance. Last evaluated: 2025-02-02. Review status: criteria provided, single submitter. Criteria: Invitae Variant Classification Sherloc (09022015). Collection method: clinical testing. Allele origin: germline.
Comment: This sequence change replaces proline, which is neutral and non-polar, with threonine, which is neutral and polar, at codon 279 of the LZTR1 protein (p.Pro279Thr). This variant is not present in population databases (gnomAD no frequency). This variant has not been reported in the literature in individuals affected with LZTR1-related conditions. ClinVar contains an entry for this variant (Variation ID: 3238350). Invitae Evidence Modeling of protein sequence and biophysical properties (such as structural, functional, and spatial information, amino acid conservation, physicochemical variation, residue mobility, and thermodynamic stability) indicates that this missense variant is not expected to disrupt LZTR1 protein function with a negative predictive value of 80%. In summary, the available evidence is currently insufficient to determine the role of this variant in disease. Therefore, it has been classified as a Variant of Uncertain Significance.

Baylor Genetics
Classification: Uncertain significance for LZTR1-related schwannomatosis. Last evaluated: 2024-02-22. Review status: criteria provided, single submitter. Criteria: ACMG Guidelines, 2015. Collection method: clinical testing. Allele origin: unknown.

Ambry Genetics
Classification: Uncertain significance for Cardiovascular phenotype; Hereditary cancer-predisposing syndrome. Last evaluated: 2023-03-17. Review status: criteria provided, single submitter. Criteria: Ambry Variant Classification Scheme 2023. Collection method: clinical testing. Allele origin: germline.
Comment: The p.P279T variant (also known as c.835C>A), located in coding exon 9 of the LZTR1 gene, results from a C to A substitution at nucleotide position 835. The proline at codon 279 is replaced by threonine, an amino acid with highly similar properties. This amino acid position is conserved. In addition, the in silico prediction for this alteration is inconclusive. Since supporting evidence is limited at this time, the clinical significance of this alteration remains unclear.

NM_006767.4(LZTR1):c.835C>A (p.Pro279Thr)

Gene: LZTR1 (leucine zipper like post translational regulator 1; plus strand). Cytogenetic location: 22q11.21.
Variant type: single nucleotide variant.
Coding change: c.835C>A on transcript NM_006767.4 (MANE Select); coding-DNA position 835, C replaced by A.
Protein change: p.Pro279Thr; replaces proline 279 with threonine.
Molecular consequence: missense variant.
Genome position (GRCh38, 1-based): chr22:20,991,671, C>A. VCF-style: chr22-20991671-C-A. GRCh37 (hg19) VCF-style: chr22-21345960-C-A.
Other names: short protein forms P279T.
Identifiers: ClinVar variation 3238350 (VCV003238350.4), dbSNP rs943782292.
Genomic context (GRCh38, chr22:20,991,671, plus strand): 5'-CTGTTGTGTACCCCCAGGTGGACACGCATCCCAACTGAACACCTGCTCCGGGGCTCCCCA[C>A]CACCCCCGCAGCGGCGCTACGGGCATACCATGGTGGCCTTTGACCGCCACCTCTATGTGT-3'
Protein context (NP_006758.2, residues 269-289): PTEHLLRGSP[Pro279Thr]PPQRRYGHTM